The following is an entry in ClinVar:

NM_016356.5(DCDC2):c.1071C>A (p.Asn357Lys)

Gene: DCDC2 (doublecortin domain containing 2; minus strand). Cytogenetic location: 6p22.3.
Variant type: single nucleotide variant.
Coding change: c.1071C>A on transcript NM_016356.5 (MANE Select); coding-DNA position 1071, C replaced by A.
Protein change: p.Asn357Lys; replaces asparagine 357 with lysine.
Molecular consequence: missense variant.
Genome position (GRCh38, 1-based): chr6:24,178,585, G>T on the plus strand (C>A on the coding strand, the complement: DCDC2 is on the minus strand). VCF-style: chr6-24178585-G-T. GRCh37 (hg19) VCF-style: chr6-24178813-G-T.
Other names: c.1071C>A, p.Asn357Lys (NM_001195610.2); short protein forms N357K.
Identifiers: ClinVar variation 1416245 (VCV001416245.9), dbSNP rs746347880, ClinGen allele CA3654515.

ClinVar aggregate classification (germline): Uncertain significance. Review status: criteria provided, multiple submitters, no conflicts (2 of 4 stars). 2 submissions from 2 submitters: Uncertain significance (2). Last evaluated 2024-03-25.

Conditions:
Autosomal recessive nonsyndromic hearing loss 66 (DFNB66). Also called: Deafness, autosomal recessive 66. Identifiers: Orphanet 90636, MedGen C1857750, MONDO:0012442, OMIM 610212.
Isolated neonatal sclerosing cholangitis (NSC). Also called: Sclerosing cholangitis, neonatal. Identifiers: Orphanet 480556, MedGen C4479344, MONDO:0018816, OMIM 617394.
Nephronophthisis 19 (NPHP19). Identifiers: Orphanet 84081, MedGen C4015542, MONDO:0014537, OMIM 616217.

Allele frequency attached by ClinVar (database versions not stated): gnomAD exomes below 0.00001; ExAC 0.00001; gnomAD 0.00001 and 0.00002; TOPMed 0.00001.
gnomAD v4.1: 3 of 1,613,738 alleles (0.00019%); highest among the groups gnomAD compares: African/African-American, 0.004%; no homozygotes.

Submissions (2):

Fulgent Genetics
Classification: Uncertain significance for Autosomal recessive nonsyndromic hearing loss 66; Nephronophthisis 19; Isolated neonatal sclerosing cholangitis. Last evaluated: 2024-03-25. Review status: criteria provided, single submitter. Criteria: ACMG Guidelines, 2015. Collection method: clinical testing. Allele origin: germline.

Labcorp Genetics (formerly Invitae), Labcorp
Classification: Uncertain significance for Autosomal recessive nonsyndromic hearing loss 66; Isolated neonatal sclerosing cholangitis. Last evaluated: 2022-07-26. Review status: criteria provided, single submitter. Criteria: Invitae Variant Classification Sherloc (09022015). Collection method: clinical testing. Allele origin: germline.
Comment: In summary, the available evidence is currently insufficient to determine the role of this variant in disease. Therefore, it has been classified as a Variant of Uncertain Significance. Algorithms developed to predict the effect of missense changes on protein structure and function output the following: SIFT: "Tolerated"; PolyPhen-2: "Benign"; Align-GVGD: "Class C0". The lysine amino acid residue is found in multiple mammalian species, which suggests that this missense change does not adversely affect protein function. ClinVar contains an entry for this variant (Variation ID: 1416245). This variant has not been reported in the literature in individuals affected with DCDC2-related conditions. This variant is present in population databases (rs746347880, gnomAD 0.008%). This sequence change replaces asparagine, which is neutral and polar, with lysine, which is basic and polar, at codon 357 of the DCDC2 protein (p.Asn357Lys).